The following is an entry in ClinVar:

NM_015425.6(POLR1A):c.3942G>A (p.Val1314=)

Gene: POLR1A (RNA polymerase I subunit A; minus strand). Cytogenetic location: 2p11.2.
Variant type: single nucleotide variant.
Coding change: c.3942G>A on transcript NM_015425.6 (MANE Select); coding-DNA position 3942, G replaced by A.
Protein change: p.Val1314=; no amino-acid change (valine 1314 retained).
Molecular consequence: synonymous variant.
Genome position (GRCh38, 1-based): chr2:86,038,792, C>T on the plus strand (G>A on the coding strand, the complement: POLR1A is on the minus strand). VCF-style: chr2-86038792-C-T. GRCh37 (hg19) VCF-style: chr2-86265915-C-T.
Identifiers: ClinVar variation 4688436 (VCV004688436.1).

ClinVar aggregate classification (germline): Uncertain significance (1 of 4 stars; one submission).

gnomAD v4.1: 3 of 1,613,956 alleles (0.00019%); highest among the groups gnomAD compares: Non-Finnish European, 0.00025%; no homozygotes.

Submission:

Women's Health and Genetics/Laboratory Corporation of America, LabCorp
Classification: Uncertain significance. Last evaluated: 2025-12-09. Review status: criteria provided, single submitter. Criteria: LabCorp Variant Classification Summary - May 2015. Collection method: clinical testing. Allele origin: germline.
Comment: Variant summary: POLR1A c.3942G>A alters a conserved nucleotide resulting in a synonymous change. Several computational tools predict a significant impact on normal splicing: four predict the variant strengthens a cryptic 5' donor site. However, these predictions have yet to be confirmed by functional studies. The variant allele was found at a frequency of 1.9e-06 in 1606986 control chromosomes (gnomAD). The available data on variant occurrences in the general population are insufficient to allow any conclusion about variant significance. To our knowledge, no occurrence of c.3942G>A in individuals affected with POLR1A-related conditions and no experimental evidence demonstrating its impact on protein function have been reported. No submitters have cited clinical-significance assessments for this variant to ClinVar. Based on the evidence outlined above, the variant was classified as uncertain significance.